The following is an entry in ClinVar:

NM_173660.5(DOK7):c.856G>C (p.Glu286Gln)

Gene: DOK7 (docking protein 7; plus strand). Cytogenetic location: 4p16.3.
Variant type: single nucleotide variant.
Coding change: c.856G>C on transcript NM_173660.5 (MANE Select); coding-DNA position 856, G replaced by C.
Protein change: p.Glu286Gln; replaces glutamic acid 286 with glutamine.
Molecular consequence: missense variant. On other transcripts: 3 prime UTR variant (1), 5 prime UTR variant (1).
Genome position (GRCh38, 1-based): chr4:3,492,842, G>C. VCF-style: chr4-3492842-G-C. GRCh37 (hg19) VCF-style: chr4-3494569-G-C.
Other names: c.*77G>C (NM_001164673.2); c.-75G>C (NM_001256896.2); c.856G>C, p.Glu286Gln (NM_001301071.2); c.424G>C, p.Glu142Gln (NM_001363811.2); short protein forms E286Q, E142Q.
Identifiers: ClinVar variation 1425633 (VCV001425633.3), dbSNP rs1577181909, ClinGen allele CA356116104.

ClinVar aggregate classification (germline): Uncertain significance (1 of 4 stars; one submission).

Conditions:
Congenital myasthenic syndrome 10. Also called: Myasthenia, limb-girdle, familial. Identifiers: Orphanet 590, MedGen C1850792, MONDO:0009690, OMIM 254300.
Fetal akinesia deformation sequence 1 (FADS1). Also called: Pena-Shokeir syndrome type I; Fetal akinesia sequence. Identifiers: Orphanet 994, MedGen C1276035, MONDO:0100101, OMIM 208150, HP:0001989.

Submission:

Labcorp Genetics (formerly Invitae), Labcorp
Classification: Uncertain significance for Congenital myasthenic syndrome 10; Fetal akinesia deformation sequence 1. Last evaluated: 2022-02-09. Review status: criteria provided, single submitter. Criteria: Invitae Variant Classification Sherloc (09022015). Collection method: clinical testing. Allele origin: germline.
Comment: This sequence change replaces glutamic acid, which is acidic and polar, with glutamine, which is neutral and polar, at codon 286 of the DOK7 protein (p.Glu286Gln). This variant is not present in population databases (gnomAD no frequency). This variant has not been reported in the literature in individuals affected with DOK7-related conditions. Algorithms developed to predict the effect of missense changes on protein structure and function are either unavailable or do not agree on the potential impact of this missense change (SIFT: "Deleterious"; PolyPhen-2: "Possibly Damaging"; Align-GVGD: "Class C0"). In summary, the available evidence is currently insufficient to determine the role of this variant in disease. Therefore, it has been classified as a Variant of Uncertain Significance.